The following is an entry in ClinVar:

ClinVar aggregate classification (germline): Uncertain significance (1 of 4 stars; one submission).

Allele frequency attached by ClinVar (database versions not stated): TOPMed below 0.00001; gnomAD exomes 0.00001; ExAC 0.00002.
gnomAD v4.1: 4 of 1,613,772 alleles (0.00025%); highest among the groups gnomAD compares: Admixed American, 0.005%; no homozygotes.

Submission:

Labcorp Genetics (formerly Invitae), Labcorp
Classification: Uncertain significance. Last evaluated: 2023-12-11. Review status: criteria provided, single submitter. Criteria: Invitae Variant Classification Sherloc (09022015). Collection method: clinical testing. Allele origin: germline.
Comment: This sequence change replaces isoleucine, which is neutral and non-polar, with valine, which is neutral and non-polar, at codon 304 of the FZD4 protein (p.Ile304Val). This variant is present in population databases (rs765359794, gnomAD 0.009%). This variant has not been reported in the literature in individuals affected with FZD4-related conditions. ClinVar contains an entry for this variant (Variation ID: 1506452). Advanced modeling of protein sequence and biophysical properties (such as structural, functional, and spatial information, amino acid conservation, physicochemical variation, residue mobility, and thermodynamic stability) has been performed at Invitae for this missense variant, however the output from this modeling did not meet the statistical confidence thresholds required to predict the impact of this variant on FZD4 protein function. In summary, the available evidence is currently insufficient to determine the role of this variant in disease. Therefore, it has been classified as a Variant of Uncertain Significance.

NM_012193.4(FZD4):c.910A>G (p.Ile304Val)

Genes: FZD4 (frizzled class receptor 4; minus strand), PRSS23 (serine protease 23; plus strand). Cytogenetic location: 11q14.2.
Variant type: single nucleotide variant.
Coding change: c.910A>G on transcript NM_012193.4 (MANE Select); coding-DNA position 910, A replaced by G.
Protein change: p.Ile304Val; replaces isoleucine 304 with valine.
Molecular consequence: missense variant. On other transcripts: non-coding transcript variant (2).
Genome position (GRCh38, 1-based): chr11:86,951,846, T>C on the plus strand (A>G on the coding strand, the complement: FZD4 is on the minus strand). VCF-style: chr11-86951846-T-C. GRCh37 (hg19) VCF-style: chr11-86662888-T-C.
Other names: short protein forms I304V.
Identifiers: ClinVar variation 1506452 (VCV001506452.6), dbSNP rs765359794, ClinGen allele CA6218397.
Genomic context (GRCh38, chr11:86,951,846, plus strand): 5'-TCAGAATAACCCACCAAATGGAGCTGGCCATTCCAAAAAAGTACATCAGCAAGAAAATTA[T>C]TGCACATCCTGTGTTCTTAAGTCCTTCTTGGATGAGAACAGGTTCTGCTGCCTCTTCAAA-3'
Protein context (NP_036325.2, residues 294-314): QEGLKNTGCA[Ile304Val]IFLLMYFFGM